The following is an entry in ClinVar:

NM_000152.5(GAA):c.1409A>G (p.Asn470Ser)

Gene: GAA (alpha glucosidase; plus strand). Cytogenetic location: 17q25.3.
Variant type: single nucleotide variant.
Coding change: c.1409A>G on transcript NM_000152.5 (MANE Select); coding-DNA position 1409, A replaced by G.
Protein change: p.Asn470Ser; replaces asparagine 470 with serine.
Molecular consequence: missense variant.
Genome position (GRCh38, 1-based): chr17:80,110,027, A>G. VCF-style: chr17-80110027-A-G. GRCh37 (hg19) VCF-style: chr17-78083826-A-G.
Other names: c.1409A>G, p.Asn470Ser (NM_001079803.3, NM_001079804.3, NM_001406741.1 and 1 more transcripts); short protein forms N470S.
Identifiers: ClinVar variation 2099114 (VCV002099114.4), dbSNP rs144155165, ClinGen allele CA401366562.

ClinVar aggregate classification (germline): Uncertain significance. Review status: criteria provided, multiple submitters, no conflicts (2 of 4 stars). 3 submissions from 3 submitters: Uncertain significance (3). Last evaluated 2026-07-01.

Conditions:
Glycogen storage disease, type II (IOPD). Also called: CARDIOMEGALIA GLYCOGENICA DIFFUSA; GLYCOGENOSIS, GENERALIZED, CARDIAC FORM; GSD II; Glycogen storage disease type 2; Acid maltase deficiency disease; Aglucosidase alfa. Identifiers: Orphanet 365, MedGen C0017921, MONDO:0009290, OMIM 232300.

Submissions (3):

Genomenon, Inc
Classification: Uncertain significance for Glycogen storage disease, type II. Last evaluated: 2026-07-01. Review status: criteria provided, single submitter. Criteria: Genomenon Sequence Variant Interpretation Standards - Updated. Collection method: curation. Allele origin: germline. Affected: yes.
Comment: GAA p.Asn470Ser (c.1409A>G) is a missense variant that changes the amino acid at codon 470 from Asparagine to Serine. This variant has been observed in at least one proband with a GAA-related disorder in the compound heterozygous and/or homozygous state (PMID:35071497). It is absent or not present at a significant frequency in gnomAD. In silico models predict that this variant is not damaging. In conclusion, we classify GAA p.Asn470Ser (c.1409A>G) as a variant of uncertain significance.

Revvity Omics, Revvity
Classification: Uncertain significance. Last evaluated: 2023-06-28. Review status: criteria provided, single submitter. Criteria: ACMG Guidelines, 2015. Collection method: clinical testing. Allele origin: germline.

Labcorp Genetics (formerly Invitae), Labcorp
Classification: Uncertain significance for Glycogen storage disease, type II. Last evaluated: 2022-09-13. Review status: criteria provided, single submitter. Criteria: Invitae Variant Classification Sherloc (09022015). Collection method: clinical testing. Allele origin: germline.
Comment: This sequence change replaces asparagine, which is neutral and polar, with serine, which is neutral and polar, at codon 470 of the GAA protein (p.Asn470Ser). This variant is not present in population databases (gnomAD no frequency). This missense change has been observed in individual(s) with clinical features of GAA-related conditions (PMID: 31342611). Advanced modeling of protein sequence and biophysical properties (such as structural, functional, and spatial information, amino acid conservation, physicochemical variation, residue mobility, and thermodynamic stability) performed at Invitae indicates that this missense variant is expected to disrupt GAA protein function. In summary, the available evidence is currently insufficient to determine the role of this variant in disease. Therefore, it has been classified as a Variant of Uncertain Significance.

Literature cited by the submitters: PubMed 35071497 (cited by Genomenon, Inc); PubMed 31342611 (cited by Labcorp Genetics (formerly Invitae), Labcorp).